The following is an entry in ClinVar:

NM_007224.4(NXPH4):c.504G>T (p.Leu168=)

Gene: NXPH4 (neurexophilin 4; plus strand). Cytogenetic location: 12q13.3.
Variant type: single nucleotide variant.
Coding change: c.504G>T on transcript NM_007224.4 (MANE Select); coding-DNA position 504, G replaced by T.
Protein change: p.Leu168=; no amino-acid change (leucine 168 retained).
Molecular consequence: synonymous variant.
Genome position (GRCh38, 1-based): chr12:57,225,324, G>T. VCF-style: chr12-57225324-G-T. GRCh37 (hg19) VCF-style: chr12-57619107-G-T.
Identifiers: ClinVar variation 5041150 (VCV005041150.1).

ClinVar aggregate classification (germline): Likely benign (1 of 4 stars; one submission).

gnomAD v4.1: 392 of 1,559,284 alleles (0.025%); highest among the groups gnomAD compares: Non-Finnish European, 0.03%; no homozygotes.

Submission:

CeGaT Center for Human Genetics Tuebingen
Classification: Likely benign. Last evaluated: 2026-09-01. Review status: criteria provided, single submitter. Criteria: CeGaT Center For Human Genetics Tuebingen Variant Classification Criteria Version 2. Collection method: clinical testing. Allele origin: germline. Affected: yes. Observed: 1 variant allele.
Comment: NXPH4: BP4, BP7